The following is an entry in ClinVar:

NM_004055.5(CAPN5):c.346G>A (p.Ala116Thr)

Gene: CAPN5 (calpain 5; plus strand). Cytogenetic location: 11q13.5.
Variant type: single nucleotide variant.
Coding change: c.346G>A on transcript NM_004055.5 (MANE Select); coding-DNA position 346, G replaced by A.
Protein change: p.Ala116Thr; replaces alanine 116 with threonine.
Molecular consequence: missense variant.
Genome position (GRCh38, 1-based): chr11:77,112,637, G>A. VCF-style: chr11-77112637-G-A. GRCh37 (hg19) VCF-style: chr11-76823683-G-A.
Other names: short protein forms A116T.
Identifiers: ClinVar variation 837208 (VCV000837208.11), dbSNP rs374584917, ClinGen allele CA6196417.

ClinVar aggregate classification (germline): Conflicting classifications of pathogenicity. Review status: criteria provided, conflicting classifications (1 of 4 stars). 4 submissions from 4 submitters: Uncertain significance (3); Likely benign (1). Last evaluated 2026-01-25.

Conditions:
Autosomal dominant neovascular inflammatory vitreoretinopathy. Also called: CAPN5-related vitreoretinopathy. Identifiers: Orphanet 329211, MedGen C4721549, MONDO:0100450.
Inborn genetic diseases. Identifiers: MedGen C0950123, MeSH D030342.

Allele frequency attached by ClinVar (database versions not stated): ExAC 0.00002; gnomAD 0.00005; gnomAD exomes 0.00005 and 0.00008; TOPMed 0.00006; ESP Exome Variant Server 0.00008.
gnomAD v4.1: 124 of 1,613,918 alleles (0.0077%); highest among the groups gnomAD compares: Non-Finnish European, 0.0097%; no homozygotes.

Submissions (4):

Labcorp Genetics (formerly Invitae), Labcorp
Classification: Uncertain significance. Last evaluated: 2026-01-25. Review status: criteria provided, single submitter. Criteria: Invitae Variant Classification Sherloc (09022015). Collection method: clinical testing. Allele origin: germline.
Comment: This sequence change replaces alanine, which is neutral and non-polar, with threonine, which is neutral and polar, at codon 116 of the CAPN5 protein (p.Ala116Thr). This variant is present in population databases (rs374584917, gnomAD 0.009%). This variant has not been reported in the literature in individuals affected with CAPN5-related conditions. ClinVar contains an entry for this variant (Variation ID: 837208). Invitae Evidence Modeling of protein sequence and biophysical properties (such as structural, functional, and spatial information, amino acid conservation, physicochemical variation, residue mobility, and thermodynamic stability) indicates that this missense variant is not expected to disrupt CAPN5 protein function with a negative predictive value of 80%. In summary, the available evidence is currently insufficient to determine the role of this variant in disease. Therefore, it has been classified as a Variant of Uncertain Significance.

Ambry Genetics
Classification: Uncertain significance for Inborn genetic diseases. Last evaluated: 2025-06-17. Review status: criteria provided, single submitter. Criteria: Ambry Variant Classification Scheme 2023. Collection method: clinical testing. Allele origin: germline.

Blueprint Genetics
Classification: Likely benign. Last evaluated: 2024-11-21. Review status: criteria provided, single submitter. Criteria: ACMG Guidelines, 2015. Collection method: clinical testing. Allele origin: germline.

Department of Pathology and Laboratory Medicine, Sinai Health System
Classification: Uncertain significance for CAPN5-related vitreoretinopathy. Last evaluated: 2021-07-30. Review status: criteria provided, single submitter. Criteria: ACMG Guidelines, 2015. Collection method: research. Allele origin: germline.